The following is an entry in ClinVar:

ClinVar aggregate classification (germline): Uncertain significance. Review status: criteria provided, multiple submitters, no conflicts (2 of 4 stars). 5 submissions from 4 submitters: Uncertain significance (5). Last evaluated 2026-08-27.

Conditions:
Inborn genetic diseases. Identifiers: MedGen C0950123, MeSH D030342.
Usher syndrome type 2A. Also called: USHER SYNDROME, TYPE IIA; RETINAL DISEASE IN USHER SYNDROME TYPE IIA, MODIFIER OF. Identifiers: Orphanet 231178, Orphanet 886, MedGen C1848634, MONDO:0010169, OMIM 276901.
Retinitis pigmentosa 39 (RP39). Identifiers: Orphanet 791, MedGen C3151138, MONDO:0013436, OMIM 613809.

Allele frequency attached by ClinVar (database versions not stated): gnomAD exomes below 0.00001; gnomAD 0.00002 and 0.00003; TOPMed below 0.00001.
gnomAD v4.1: 4 of 1,614,088 alleles (0.00025%); highest among the groups gnomAD compares: African/African-American, 0.004%; no homozygotes.

Submissions (5):

Ambry Genetics
Classification: Uncertain significance for Inborn genetic diseases. Last evaluated: 2026-08-27. Review status: criteria provided, single submitter. Criteria: Ambry Variant Classification Scheme 2023. Collection method: clinical testing. Allele origin: germline.

Genome-Nilou Lab
Classification: Uncertain significance for Retinitis pigmentosa 39. Last evaluated: 2023-11-04. Review status: criteria provided, single submitter. Criteria: ACMG Guidelines, 2015. Collection method: clinical testing. Allele origin: germline. Affected: no.

Genome-Nilou Lab
Classification: Uncertain significance for Usher syndrome type 2A. Last evaluated: 2023-11-04. Review status: criteria provided, single submitter. Criteria: ACMG Guidelines, 2015. Collection method: clinical testing. Allele origin: germline. Affected: no.

Labcorp Genetics (formerly Invitae), Labcorp
Classification: Uncertain significance. Last evaluated: 2021-08-24. Review status: criteria provided, single submitter. Criteria: Invitae Variant Classification Sherloc (09022015). Collection method: clinical testing. Allele origin: germline.
Comment: This sequence change replaces tyrosine with cysteine at codon 4417 of the USH2A protein (p.Tyr4417Cys). The tyrosine residue is highly conserved and there is a large physicochemical difference between tyrosine and cysteine. This variant is not present in population databases (ExAC no frequency). This variant has not been reported in the literature in individuals affected with USH2A-related conditions. ClinVar contains an entry for this variant (Variation ID: 198342). Algorithms developed to predict the effect of missense changes on protein structure and function (SIFT, PolyPhen-2, Align-GVGD) all suggest that this variant is likely to be disruptive. Algorithms developed to predict the effect of sequence changes on RNA splicing suggest that this variant may create or strengthen a splice site. In summary, the available evidence is currently insufficient to determine the role of this variant in disease. Therefore, it has been classified as a Variant of Uncertain Significance.

Eurofins Ntd Llc (ga)
Classification: Uncertain significance. Last evaluated: 2014-06-12. Review status: criteria provided, single submitter. Criteria: EGL Classification Definitions 2015. Collection method: clinical testing. Allele origin: germline. Observed: 1 variant allele, 1 heterozygote.

NM_206933.4(USH2A):c.13250A>G (p.Tyr4417Cys)

Gene: USH2A (usherin; minus strand). Cytogenetic location: 1q41.
Variant type: single nucleotide variant.
Coding change: c.13250A>G on transcript NM_206933.4 (MANE Select); coding-DNA position 13250, A replaced by G.
Protein change: p.Tyr4417Cys; replaces tyrosine 4417 with cysteine.
Molecular consequence: missense variant.
Genome position (GRCh38, 1-based): chr1:215,674,661, T>C on the plus strand (A>G on the coding strand, the complement: USH2A is on the minus strand). VCF-style: chr1-215674661-T-C. GRCh37 (hg19) VCF-style: chr1-215848003-T-C.
Other names: c.13250A>G (NM_206933.2); short protein forms Y4417C.
Identifiers: ClinVar variation 198342 (VCV000198342.13), dbSNP rs794727826, ClinGen allele CA246931.